The following is an entry in ClinVar:

ClinVar aggregate classification (germline): Uncertain significance. Review status: criteria provided, multiple submitters, no conflicts (2 of 4 stars). 3 submissions from 3 submitters: Uncertain significance (3). Last evaluated 2025-11-10.

Conditions:
Familial thoracic aortic aneurysm and aortic dissection (TAAD). Also called: Thoracic aortic aneurysms and dissections. Identifiers: Orphanet 91387, MedGen C4707243, MONDO:0019625.
Aortic aneurysm, familial thoracic 4 (AAT4). Also called: AORTIC ANEURYSM/AORTIC DISSECTION AND PATENT DUCTUS ARTERIOSUS. Identifiers: MedGen C1851504, MONDO:0007568, OMIM 132900.

Allele frequency attached by ClinVar (database versions not stated): gnomAD exomes 0.00001.
gnomAD v4.1: 5 of 1,614,218 alleles (0.00031%); highest among the groups gnomAD compares: Non-Finnish European, 0.00042%; no homozygotes.

Submissions (3):

Ambry Genetics
Classification: Uncertain significance for Familial thoracic aortic aneurysm and aortic dissection. Last evaluated: 2025-11-10. Review status: criteria provided, single submitter. Criteria: Ambry Variant Classification Scheme 2023. Collection method: clinical testing. Allele origin: germline.
Comment: The p.E1677D variant (also known as c.5031G>C), located in coding exon 34 of the MYH11 gene, results from a G to C substitution at nucleotide position 5031. The glutamic acid at codon 1677 is replaced by aspartic acid, an amino acid with highly similar properties. This amino acid position is conserved. In addition, this alteration is predicted to be tolerated by in silico analysis. Based on the available evidence, the clinical significance of this variant remains unclear.

CeGaT Center for Human Genetics Tuebingen
Classification: Uncertain significance. Last evaluated: 2024-11-01. Review status: criteria provided, single submitter. Criteria: CeGaT Center For Human Genetics Tuebingen Variant Classification Criteria Version 2. Collection method: clinical testing. Allele origin: germline. Affected: yes. Observed: 1 variant allele.
Comment: MYH11: PM2

Labcorp Genetics (formerly Invitae), Labcorp
Classification: Uncertain significance for Aortic aneurysm, familial thoracic 4. Last evaluated: 2022-06-10. Review status: criteria provided, single submitter. Criteria: Invitae Variant Classification Sherloc (09022015). Collection method: clinical testing. Allele origin: germline.
Comment: In summary, the available evidence is currently insufficient to determine the role of this variant in disease. Therefore, it has been classified as a Variant of Uncertain Significance. Algorithms developed to predict the effect of missense changes on protein structure and function (SIFT, PolyPhen-2, Align-GVGD) all suggest that this variant is likely to be disruptive. This variant has not been reported in the literature in individuals affected with MYH11-related conditions. This variant is present in population databases (rs765569537, gnomAD 0.0009%). This sequence change replaces glutamic acid, which is acidic and polar, with aspartic acid, which is acidic and polar, at codon 1684 of the MYH11 protein (p.Glu1684Asp).

NM_002474.3(MYH11):c.5031G>C (p.Glu1677Asp)

Genes: MYH11 (myosin heavy chain 11; minus strand), NDE1 (nudE neurodevelopment protein 1; plus strand). Cytogenetic location: 16p13.11.
Variant type: single nucleotide variant.
Coding change: c.5031G>C on transcript NM_002474.3 (MANE Select); coding-DNA position 5031, G replaced by C.
Protein change: p.Glu1677Asp; replaces glutamic acid 1677 with aspartic acid.
Molecular consequence: missense variant. On other transcripts: intron variant (2).
Genome position (GRCh38, 1-based): chr16:15,719,636, C>G on the plus strand (G>C on the coding strand, the complement: MYH11 is on the minus strand). VCF-style: chr16-15719636-C-G. GRCh37 (hg19) VCF-style: chr16-15813493-C-G.
Other names: c.5052G>C, p.Glu1684Asp (NM_001040113.2, NM_001040114.2); c.5031G>C, p.Glu1677Asp (NM_022844.3); c.948-4555C>G (NM_001143979.2, NM_017668.3); c.5031G>C (NM_002474.2); short protein forms E1677D, E1684D.
Identifiers: ClinVar variation 2069939 (VCV002069939.18), dbSNP rs765569537, ClinGen allele CA278597423.